The following is an entry in ClinVar:

ClinVar aggregate classification (germline): Uncertain significance (1 of 4 stars; one submission).

Conditions:
Hereditary cancer-predisposing syndrome. Also called: Hereditary Cancer Syndrome; Hereditary neoplastic syndrome; Neoplastic Syndromes, Hereditary; Tumor predisposition. Identifiers: Orphanet 140162, MedGen C0027672, MeSH D009386, MONDO:0015356.

Submission:

Ambry Genetics
Classification: Uncertain significance for Hereditary cancer-predisposing syndrome. Last evaluated: 2020-03-04. Review status: criteria provided, single submitter. Criteria: Ambry Variant Classification Scheme 2023. Collection method: clinical testing. Allele origin: germline.
Comment: The p.R331P variant (also known as c.992G>C), located in coding exon 8 of the STK11 gene, results from a G to C substitution at nucleotide position 992. The arginine at codon 331 is replaced by proline, an amino acid with dissimilar properties. This amino acid position is not well conserved in available vertebrate species. In addition, this alteration is predicted to be tolerated by in silico analysis. Since supporting evidence is limited at this time, the clinical significance of this alteration remains unclear.

NM_000455.5(STK11):c.992G>C (p.Arg331Pro)

Genes: STK11 (serine/threonine kinase 11; plus strand), LOC130062899 (ATAC-STARR-seq lymphoblastoid active region 13597; plus strand). Cytogenetic location: 19p13.3.
Variant type: single nucleotide variant.
Coding change: c.992G>C on transcript NM_000455.5 (MANE Select); coding-DNA position 992, G replaced by C.
Protein change: p.Arg331Pro; replaces arginine 331 with proline.
Molecular consequence: missense variant.
Genome position (GRCh38, 1-based): chr19:1,223,056, G>C. VCF-style: chr19-1223056-G-C. GRCh37 (hg19) VCF-style: chr19-1223055-G-C.
Other names: c.992G>C, p.Arg331Pro (NM_001407255.1); short protein forms R331P.
Identifiers: ClinVar variation 1768642 (VCV001768642.2), dbSNP rs371264852, ClinGen allele CA402951638.